The following is an entry in ClinVar:

NM_001349253.2(SCN11A):c.4669C>T (p.Leu1557Phe)

Gene: SCN11A (sodium voltage-gated channel alpha subunit 11; minus strand). Cytogenetic location: 3p22.2.
Variant type: single nucleotide variant.
Coding change: c.4669C>T on transcript NM_001349253.2 (MANE Select); coding-DNA position 4669, C replaced by T.
Protein change: p.Leu1557Phe; replaces leucine 1557 with phenylalanine.
Molecular consequence: missense variant.
Genome position (GRCh38, 1-based): chr3:38,847,401, G>A on the plus strand (C>T on the coding strand, the complement: SCN11A is on the minus strand). VCF-style: chr3-38847401-G-A. GRCh37 (hg19) VCF-style: chr3-38888892-G-A.
Other names: c.4669C>T, p.Leu1557Phe (NM_014139.3); short protein forms L1557F.
Identifiers: ClinVar variation 1367142 (VCV001367142.8), dbSNP rs2126076257, ClinGen allele CA352162926.
Genomic context (GRCh38, chr3:38,847,401, plus strand): 5'-GGAGGTGGCAGTTTTCTGAGGAAGAGTTACATGATTCTTTTGATCGCAGCATGGGGCTGA[G>A]CAGGGAATCCCAACCTGCTGATGTGCTTATCTGGAAGAGACAGAGCATGCTGCTGGCAAA-3'
Protein context (NP_001336182.1, residues 1547-1567): ISTSAGWDSL[Leu1557Phe]SPMLRSKESC

ClinVar aggregate classification (germline): Uncertain significance (1 of 4 stars; one submission).

Conditions:
Hereditary sensory and autonomic neuropathy type 7. Also called: Neuropathy, hereditary sensory and autonomic, type VII; HSAN VII. Identifiers: Orphanet 391397, MedGen C3809882, MONDO:0014244, OMIM 615548.
Familial episodic pain syndrome with predominantly lower limb involvement. Also called: Episodic pain syndrome, familial, 3. Identifiers: Orphanet 391384, Orphanet 391392, MedGen C3809899, MONDO:0014247, OMIM 615552.

Submission:

Labcorp Genetics (formerly Invitae), Labcorp
Classification: Uncertain significance for Familial episodic pain syndrome with predominantly lower limb involvement; Hereditary sensory and autonomic neuropathy type 7. Last evaluated: 2022-09-13. Review status: criteria provided, single submitter. Criteria: Invitae Variant Classification Sherloc (09022015). Collection method: clinical testing. Allele origin: germline.
Comment: This variant is not present in population databases (gnomAD no frequency). In summary, the available evidence is currently insufficient to determine the role of this variant in disease. Therefore, it has been classified as a Variant of Uncertain Significance. Advanced modeling of protein sequence and biophysical properties (such as structural, functional, and spatial information, amino acid conservation, physicochemical variation, residue mobility, and thermodynamic stability) performed at Invitae indicates that this missense variant is expected to disrupt SCN11A protein function. ClinVar contains an entry for this variant (Variation ID: 1367142). This variant has not been reported in the literature in individuals affected with SCN11A-related conditions. This sequence change replaces leucine, which is neutral and non-polar, with phenylalanine, which is neutral and non-polar, at codon 1557 of the SCN11A protein (p.Leu1557Phe).